The following is an entry in ClinVar:

NM_006767.4(LZTR1):c.1231A>G (p.Ile411Val)

Gene: LZTR1 (leucine zipper like post translational regulator 1; plus strand). Cytogenetic location: 22q11.21.
Variant type: single nucleotide variant.
Coding change: c.1231A>G on transcript NM_006767.4 (MANE Select); coding-DNA position 1231, A replaced by G.
Protein change: p.Ile411Val; replaces isoleucine 411 with valine.
Molecular consequence: missense variant.
Genome position (GRCh38, 1-based): chr22:20,992,875, A>G. VCF-style: chr22-20992875-A-G. GRCh37 (hg19) VCF-style: chr22-21347164-A-G.
Other names: short protein forms I411V.
Identifiers: ClinVar variation 3541489 (VCV003541489.1).
Genomic context (GRCh38, chr22:20,992,875, plus strand): 5'-CACGCGGCTGCTGTCATCTCGGACGCCATGTACATCTTCGGGGGCACGGTGGACAACAAC[A>G]TCCGCAGCGGGGAGATGTACAGGTTCCAGGTGTGGGGCCTGTGGGCCTGTAGAGCCGGCT-3'
Protein context (NP_006758.2, residues 401-421): YIFGGTVDNN[Ile411Val]RSGEMYRFQF

ClinVar aggregate classification (germline): Uncertain significance (1 of 4 stars; one submission).

Conditions:
Hereditary cancer-predisposing syndrome. Also called: Hereditary Cancer Syndrome; Hereditary neoplastic syndrome; Tumor predisposition; Neoplastic Syndromes, Hereditary. Identifiers: Orphanet 140162, MedGen C0027672, MeSH D009386, MONDO:0015356.
Cardiovascular phenotype. Identifiers: MedGen CN230736.

gnomAD v4.1: 2 of 1,607,124 alleles (0.00012%); highest among the groups gnomAD compares: African/African-American, 0.0013%; no homozygotes.

Submission:

Ambry Genetics
Classification: Uncertain significance for Cardiovascular phenotype; Hereditary cancer-predisposing syndrome. Last evaluated: 2024-11-25. Review status: criteria provided, single submitter. Criteria: Ambry Variant Classification Scheme 2023. Collection method: clinical testing. Allele origin: germline.
Comment: The p.I411V variant (also known as c.1231A>G), located in coding exon 11 of the LZTR1 gene, results from an A to G substitution at nucleotide position 1231. The isoleucine at codon 411 is replaced by valine, an amino acid with highly similar properties. This amino acid position is conserved. In addition, this alteration is predicted to be tolerated by in silico analysis. Based on the available evidence, the clinical significance of this variant remains unclear.